The following is an entry in ClinVar:

ClinVar aggregate classification (germline): Benign. Review status: criteria provided, multiple submitters, no conflicts (2 of 4 stars). 4 submissions from 4 submitters: Benign (3). 1 of the submissions does not count toward it. Last evaluated 2026-01-26.

Allele frequency attached by ClinVar (database versions not stated): ESP Exome Variant Server 0.02184; TOPMed 0.02353; gnomAD 0.02430 and 0.02752; gnomAD exomes 0.02872 and 0.03686; ExAC 0.03881; 1000 Genomes Project 30x 0.04497; 1000 Genomes Project 0.04732.
gnomAD v4.1: 46,420 of 1,613,556 alleles (2.9%); highest among the groups gnomAD compares: South Asian, 13%; 1,344 homozygotes.

Submissions (4):

Labcorp Genetics (formerly Invitae), Labcorp
Classification: Benign. Last evaluated: 2026-01-26. Review status: criteria provided, single submitter. Criteria: Invitae Variant Classification Sherloc (09022015). Collection method: clinical testing. Allele origin: germline.

GeneDx
Classification: Benign. Last evaluated: 2013-09-09. Review status: criteria provided, single submitter. Criteria: GeneDx Variant Classification (06012015). Collection method: clinical testing. Allele origin: germline. Affected: yes.
Comment: This variant is considered likely benign or benign based on one or more of the following criteria: it is a conservative change, it occurs at a poorly conserved position in the protein, it is predicted to be benign by multiple in silico algorithms, and/or has population frequency not consistent with disease.

Breakthrough Genomics
Classification: Benign. Review status: criteria provided, single submitter. Criteria: ACMG Guidelines, 2015. Collection method: not provided. Allele origin: germline. Inheritance: Autosomal recessive inheritance. Affected: yes.

Mayo Clinic Laboratories, Mayo Clinic
Classification: Benign. Last evaluated: 2016-02-26. Review status: no assertion criteria provided. Collection method: clinical testing. Allele origin: unknown. Not counted in ClinVar's aggregate classification.

NM_139242.4(MTFMT):c.1065G>A (p.Gln355=)

Gene: MTFMT (mitochondrial methionyl-tRNA formyltransferase; minus strand). Cytogenetic location: 15q22.31.
Variant type: single nucleotide variant.
Coding change: c.1065G>A on transcript NM_139242.4 (MANE Select); coding-DNA position 1065, G replaced by A.
Protein change: p.Gln355=; no amino-acid change (glutamine 355 retained).
Molecular consequence: synonymous variant.
Genome position (GRCh38, 1-based): chr15:65,003,167, C>T on the plus strand (G>A on the coding strand, the complement: MTFMT is on the minus strand). VCF-style: chr15-65003167-C-T. GRCh37 (hg19) VCF-style: chr15-65295505-C-T.
Other names: p.Q355Q:CAG>CAA.
Identifiers: ClinVar variation 138266 (VCV000138266.14), dbSNP rs35477493, ClinGen allele CA292175.
Genomic context (GRCh38, chr15:65,003,167, plus strand): 5'-CTTTGTTGGAAGTCTGAGAGTCTGAAATCTGCATTGGCTTGGTTGAGCTTGGGAATTTTT[C>T]TGGTACCAGGGGTGCAAATATCCATTGTAGAAGTCAGTAGCTGTTAGTGATTTCTTGAGC-3'
Protein context (NP_640335.2, residues 345-365): FYNGYLHPWY[Gln355=]KNSQAQPSQC